The following is an entry in ClinVar:

NM_138927.4(SON):c.4465del (p.Leu1489fs)

Gene: SON (SON DNA and RNA binding protein; plus strand). Cytogenetic location: 21q22.11.
Variant type: Deletion.
Coding change: c.4465del on transcript NM_138927.4 (MANE Select); coding-DNA position 4465, one base deleted (C; older notation c.4465delC).
Protein change: p.Leu1489fs; shifts the reading frame from leucine 1489.
Molecular consequence: frameshift variant. On other transcripts: non-coding transcript variant (1), intron variant (1).
Genome position (GRCh38, 1-based): chr21:33,553,696, C deleted. VCF-style (leftmost placement, unchanged base first): chr21-33553695-TC-T. GRCh37 (hg19) VCF-style: chr21-34926001-TC-T.
Other names: c.4465del, p.Leu1489fs (NM_001291411.2, NM_032195.3); c.245-3460del (NM_001291412.3); c.4465delC (NM_032195.2); short protein forms L1489fs.
Identifiers: ClinVar variation 817937 (VCV000817937.1), dbSNP rs1601269392, ClinGen allele CA915953128.

ClinVar aggregate classification (germline): Pathogenic (1 of 4 stars; one submission).

Submission:

GeneDx
Classification: Pathogenic. Last evaluated: 2019-01-02. Review status: criteria provided, single submitter. Criteria: GeneDx Variant Classification (06012015). Collection method: clinical testing. Allele origin: germline. Affected: yes.
Comment: The c.4465delC variant in the SON gene has not been reported previously as a pathogenic variant nor as a benign variant, to our knowledge. The c.4465delC variant causes a frameshift starting with codon Leucine 1489, changes this amino acid to a Tyrosine residue, and creates a premature Stop codon at position 31 of the new reading frame, denoted p.Leu1489TyrfsX31. This variant is predicted to cause loss of normal protein function either through protein truncation or nonsense-mediated mRNA decay. The c.4465delC variant is not observed in large population cohorts (Lek et al., 2016). We interpret c.4465delC as a pathogenic variant.